The following is an entry in ClinVar:

NM_004551.3(NDUFS3):c.657G>A (p.Val219=)

Gene: NDUFS3 (NADH:ubiquinone oxidoreductase core subunit S3; plus strand). Cytogenetic location: 11p11.2.
Variant type: single nucleotide variant.
Coding change: c.657G>A on transcript NM_004551.3 (MANE Select); coding-DNA position 657, G replaced by A.
Protein change: p.Val219=; no amino-acid change (valine 219 retained).
Molecular consequence: synonymous variant.
Genome position (GRCh38, 1-based): chr11:47,584,343, G>A. VCF-style: chr11-47584343-G-A. GRCh37 (hg19) VCF-style: chr11-47605895-G-A.
Identifiers: ClinVar variation 304997 (VCV000304997.25), dbSNP rs377323760, ClinGen allele CA5978068.

ClinVar aggregate classification (germline): Conflicting classifications of pathogenicity. Review status: criteria provided, conflicting classifications (1 of 4 stars). 4 submissions from 3 submitters: Uncertain significance (2); Benign (1); Likely benign (1). Last evaluated 2026-07-01.

Conditions:
Mitochondrial complex I deficiency, nuclear type 1. Also called: NADH-COENZYME Q REDUCTASE DEFICIENCY; MITOCHONDRIAL NADH DEHYDROGENASE COMPONENT OF COMPLEX I, DEFICIENCY OF. Identifiers: MedGen C6022305, MONDO:0100224, OMIM 252010.
Leigh syndrome (NULS). Also called: Leigh's syndrome; Leigh Disease; Subacute necrotizing encephalopathy; Necrotizing encephalopathy infantile subacute of Leigh; LEIGH SYNDROME, NUCLEAR; Leigh's necrotizing encephalopathy. Identifiers: Orphanet 506, MedGen C2931891, MONDO:0009723, OMIM 256000.

Allele frequency attached by ClinVar (database versions not stated): gnomAD 0.00001 and 0.00006; TOPMed 0.00004; ESP Exome Variant Server 0.00008; gnomAD exomes 0.00014 and 0.00026; 1000 Genomes Project 30x 0.00016; 1000 Genomes Project 0.00020; ExAC 0.00028.
gnomAD v4.1: 202 of 1,614,166 alleles (0.013%); highest among the groups gnomAD compares: South Asian, 0.18%; 2 homozygotes.

Submissions (4):

CeGaT Center for Human Genetics Tuebingen
Classification: Likely benign. Last evaluated: 2026-07-01. Review status: criteria provided, single submitter. Criteria: CeGaT Center For Human Genetics Tuebingen Variant Classification Criteria Version 2. Collection method: clinical testing. Allele origin: germline. Affected: yes. Observed: 2 variant alleles.
Comment: NDUFS3: BP4, BP7

Labcorp Genetics (formerly Invitae), Labcorp
Classification: Benign. Last evaluated: 2025-07-06. Review status: criteria provided, single submitter. Criteria: Invitae Variant Classification Sherloc (09022015). Collection method: clinical testing. Allele origin: germline.

Illumina Laboratory Services, Illumina
Classification: Uncertain significance for Leigh syndrome. Last evaluated: 2018-01-13. Review status: criteria provided, single submitter. Criteria: ICSL Variant Classification Criteria 13 December 2019. Collection method: clinical testing. Allele origin: germline.

Illumina Laboratory Services, Illumina
Classification: Uncertain significance for Mitochondrial complex I deficiency, nuclear type 1. Last evaluated: 2018-01-13. Review status: criteria provided, single submitter. Criteria: ICSL Variant Classification Criteria 13 December 2019. Collection method: clinical testing. Allele origin: germline.